The following is an entry in ClinVar:

NM_024306.5(FA2H):c.106C>G (p.Leu36Val)

Genes: FA2H (fatty acid 2-hydroxylase; minus strand), LOC130059394 (ATAC-STARR-seq lymphoblastoid silent region 7701; plus strand). Cytogenetic location: 16q23.1.
Variant type: single nucleotide variant.
Coding change: c.106C>G on transcript NM_024306.5 (MANE Select); coding-DNA position 106, C replaced by G.
Protein change: p.Leu36Val; replaces leucine 36 with valine.
Molecular consequence: missense variant.
Genome position (GRCh38, 1-based): chr16:74,774,650, G>C on the plus strand (C>G on the coding strand, the complement: FA2H is on the minus strand). VCF-style: chr16-74774650-G-C. GRCh37 (hg19) VCF-style: chr16-74808548-G-C.
Other names: short protein forms L36V.
Identifiers: ClinVar variation 964494 (VCV000964494.11), dbSNP rs1294196562, ClinGen allele CA396768406.
Genomic context (GRCh38, chr16:74,774,650, plus strand): 5'-GGCCCGCCCTGGCCCGCAGCAGCTGCTCGCCCCCCGGGTGGTGCCGCACGAAGCTGGAGA[G>C]GTCGTAGAGGCGGGCCCCGCGGCGGACCCAGCACGCGCCGGCCGCCAGGCGCCGCTGGAC-3'
Protein context (NP_077282.3, residues 26-46): WVRRGARLYD[Leu36Val]SSFVRHHPGG

ClinVar aggregate classification (germline): Uncertain significance. Review status: criteria provided, multiple submitters, no conflicts (2 of 4 stars). 2 submissions from 2 submitters: Uncertain significance (2). Last evaluated 2024-06-07.

Conditions:
Inborn genetic diseases. Identifiers: MedGen C0950123, MeSH D030342.
Spastic paraplegia. Identifiers: MedGen C0037772, HP:0001258.

Allele frequency attached by ClinVar (database versions not stated): gnomAD 0.00001; TOPMed 0.00001.
gnomAD v4.1: 6 of 1,460,866 alleles (0.00041%); highest among the groups gnomAD compares: Non-Finnish European, 0.00054%; no homozygotes.

Submissions (2):

Ambry Genetics
Classification: Uncertain significance for Inborn genetic diseases. Last evaluated: 2024-06-07. Review status: criteria provided, single submitter. Criteria: Ambry Variant Classification Scheme 2023. Collection method: clinical testing. Allele origin: germline.

Labcorp Genetics (formerly Invitae), Labcorp
Classification: Uncertain significance for Spastic paraplegia. Last evaluated: 2019-08-07. Review status: criteria provided, single submitter. Criteria: Invitae Variant Classification Sherloc (09022015). Collection method: clinical testing. Allele origin: germline.
Comment: In summary, the available evidence is currently insufficient to determine the role of this variant in disease. Therefore, it has been classified as a Variant of Uncertain Significance. Algorithms developed to predict the effect of missense changes on protein structure and function (SIFT, PolyPhen-2, Align-GVGD) all suggest that this variant is likely to be tolerated, but these predictions have not been confirmed by published functional studies and their clinical significance is uncertain. The frequency data for this variant in the population databases is considered unreliable, as metrics indicate insufficient coverage at this position in the ExAC database. This variant has not been reported in the literature in individuals with FA2H-related conditions. This sequence change replaces leucine with valine at codon 36 of the FA2H protein (p.Leu36Val). The leucine residue is moderately conserved and there is a small physicochemical difference between leucine and valine.